The following is an entry in ClinVar:

ClinVar aggregate classification (germline): Uncertain significance (1 of 4 stars; one submission).

Conditions:
Hereditary nonpolyposis colorectal neoplasms. Identifiers: MedGen C0009405, MeSH D003123.

Submission:

Labcorp Genetics (formerly Invitae), Labcorp
Classification: Uncertain significance for Hereditary nonpolyposis colorectal neoplasms. Last evaluated: 2022-03-03. Review status: criteria provided, single submitter. Criteria: Invitae Variant Classification Sherloc (09022015). Collection method: clinical testing. Allele origin: germline.
Comment: In summary, the available evidence is currently insufficient to determine the role of this variant in disease. Therefore, it has been classified as a Variant of Uncertain Significance. Advanced modeling of protein sequence and biophysical properties (such as structural, functional, and spatial information, amino acid conservation, physicochemical variation, residue mobility, and thermodynamic stability) performed at Invitae indicates that this missense variant is expected to disrupt PMS2 protein function. This variant has not been reported in the literature in individuals affected with PMS2-related conditions. This variant is not present in population databases (gnomAD no frequency). This sequence change replaces aspartic acid, which is acidic and polar, with histidine, which is basic and polar, at codon 70 of the PMS2 protein (p.Asp70His).

NM_000535.7(PMS2):c.208G>C (p.Asp70His)

Gene: PMS2 (PMS1 homolog 2, mismatch repair system component; minus strand). Cytogenetic location: 7p22.1.
Variant type: single nucleotide variant.
Coding change: c.208G>C on transcript NM_000535.7 (MANE Select); coding-DNA position 208, G replaced by C.
Protein change: p.Asp70His; replaces aspartic acid 70 with histidine.
Molecular consequence: missense variant. On other transcripts: 5 prime UTR variant (11), non-coding transcript variant (1).
Genome position (GRCh38, 1-based): chr7:6,004,014, C>G on the plus strand (G>C on the coding strand, the complement: PMS2 is on the minus strand). VCF-style: chr7-6004014-C-G. GRCh37 (hg19) VCF-style: chr7-6043645-C-G.
Other names: c.-198G>C (NM_001018040.1, NM_001322003.2, NM_001322004.2 and 14 more transcripts); c.208G>C, p.Asp70His (NM_001322006.2, NM_001322014.2, NM_001406868.1 and 10 more transcripts); c.-8G>C (NM_001322007.2, NM_001322008.2, NM_001406876.1 and 4 more transcripts); c.-677G>C (NM_001322011.2, NM_001322012.2); c.-277G>C (NM_001322015.2, NM_001406875.1, NM_001406877.1 and 3 more transcripts); c.394G>C, p.Asp132His (NM_001406866.1); c.-224G>C (NM_001406880.1); c.-174G>C (NM_001406881.1, NM_001406900.1); and 2 more; short protein forms D132H, D70H.
Identifiers: ClinVar variation 2174470 (VCV002174470.4), dbSNP rs2128830025, ClinGen allele CA366744849.